The following is an entry in ClinVar:

ClinVar aggregate classification (germline): Uncertain significance (1 of 4 stars; one submission).

Submission:

Women's Health and Genetics/Laboratory Corporation of America, LabCorp
Classification: Uncertain significance. Last evaluated: 2025-01-28. Review status: criteria provided, single submitter. Criteria: LabCorp Variant Classification Summary - May 2015. Collection method: clinical testing. Allele origin: germline.
Comment: Variant summary: ACBD5 c.1552C>T (p.Gln518X) results in a premature termination codon, predicted to cause a truncation of the encoded protein or absence of the protein, however, is predicted to not undergo nonsense mediated decay. The variant was absent in 251306 control chromosomes. The available data on variant occurrences in the general population are insufficient to allow any conclusion about variant significance. To our knowledge, no occurrence of c.1552C>T in individuals affected with Retinal Dystrophy With Leukodystrophy and no experimental evidence demonstrating its impact on protein function have been reported. No submitters have cited clinical-significance assessments for this variant to ClinVar. Based on the evidence outlined above, the variant was classified as uncertain significance.

NM_145698.5(ACBD5):c.1552C>T (p.Gln518Ter)

Gene: ACBD5 (acyl-CoA binding domain containing 5; minus strand). Cytogenetic location: 10p12.1.
Variant type: single nucleotide variant.
Coding change: c.1552C>T on transcript NM_145698.5 (MANE Select); coding-DNA position 1552, C replaced by T.
Protein change: p.Gln518Ter; replaces glutamine 518 with a stop codon.
Molecular consequence: nonsense.
Genome position (GRCh38, 1-based): chr10:27,204,453, G>A on the plus strand (C>T on the coding strand, the complement: ACBD5 is on the minus strand). VCF-style: chr10-27204453-G-A. GRCh37 (hg19) VCF-style: chr10-27493382-G-A.
Other names: c.1447C>T, p.Gln483Ter (NM_001042473.4, NM_001352577.2, NM_001352578.2 and 1 more transcripts); c.1546C>T, p.Gln516Ter (NM_001271512.3); c.1225C>T, p.Gln409Ter (NM_001301251.2, NM_001301252.2, NM_001301253.2 and 2 more transcripts); c.1021C>T, p.Gln341Ter (NM_001301254.2); c.1606C>T, p.Gln536Ter (NM_001352568.1); c.1585C>T, p.Gln529Ter (NM_001352569.1); c.1552C>T, p.Gln518Ter (NM_001352570.1); c.1579C>T, p.Gln527Ter (NM_001352571.1); and 10 more; short protein forms Q341*, Q409*, Q415*, Q420*, Q448*, Q450*, Q459*, Q461*.
Identifiers: ClinVar variation 3769369 (VCV003769369.2).